The following is an entry in ClinVar:

ClinVar aggregate classification (germline): Uncertain significance (1 of 4 stars; one submission).

Submission:

Ambry Genetics
Classification: Uncertain significance. Last evaluated: 2026-05-27. Review status: criteria provided, single submitter. Criteria: Ambry Variant Classification Scheme 2023. Collection method: clinical testing. Allele origin: germline.
Comment: The p.D1151N variant (also known as c.3451G>A), located in coding exon 14 of the WNK2 gene, results from a G to A substitution at nucleotide position 3451. The aspartic acid at codon 1151 is replaced by asparagine, an amino acid with highly similar properties. This amino acid position is conserved. In addition, this alteration is predicted to be tolerated by in silico analysis. Based on the available evidence, the clinical significance of this variant remains unclear.

NM_006648.4(WNK2):c.3451G>A (p.Asp1151Asn)

Gene: WNK2 (WNK lysine deficient protein kinase 2; plus strand). Cytogenetic location: 9q22.31.
Variant type: single nucleotide variant.
Coding change: c.3451G>A on transcript NM_006648.4 (MANE Select); coding-DNA position 3451, G replaced by A.
Protein change: p.Asp1151Asn; replaces aspartic acid 1151 with asparagine.
Molecular consequence: missense variant.
Genome position (GRCh38, 1-based): chr9:93,263,606, G>A. VCF-style: chr9-93263606-G-A. GRCh37 (hg19) VCF-style: chr9-96025888-G-A.
Other names: c.3451G>A, p.Asp1151Asn (NM_001282394.3); short protein forms D1151N.
Identifiers: ClinVar variation 4866707 (VCV004866707.1).
Genomic context (GRCh38, chr9:93,263,606, plus strand): 5'-TGTTCTTGGGTTTTGCTCAGCTATGGAGGTTCTGATGTCACTTCTGGAAAAGAGCTGAGT[G>A]ACAGCTGTGAAGGCGCCTTTGGAGGGGGCAGGCTGGAGGGCAGGGCAGCCCGAAAACACC-3'
Protein context (NP_006639.3, residues 1141-1161): SDVTSGKELS[Asp1151Asn]SCEGAFGGGR